The following is an entry in ClinVar:

ClinVar aggregate classification (germline): Uncertain significance (1 of 4 stars; one submission).

Conditions:
EP300-related disorder. Also called: EP300-related condition; EP300-related disorders.

Submission:

PreventionGenetics, part of Exact Sciences
Classification: Uncertain significance for EP300-related condition. Last evaluated: 2025-04-09. Review status: criteria provided, single submitter. Criteria: ACMG Guidelines, 2015. Collection method: clinical testing. Allele origin: germline.
Comment: The EP300 c.5521G>C variant is predicted to result in the amino acid substitution p.Val1841Leu. To our knowledge, this variant has not been reported in the literature or in a large population database (gnomAD), indicating this variant is rare. At this time, the clinical significance of this variant is uncertain due to the absence of conclusive functional and genetic evidence.

NM_001429.4(EP300):c.5521G>C (p.Val1841Leu)

Gene: EP300 (EP300 lysine acetyltransferase; plus strand). Cytogenetic location: 22q13.2.
Variant type: single nucleotide variant.
Coding change: c.5521G>C on transcript NM_001429.4 (MANE Select); coding-DNA position 5521, G replaced by C.
Protein change: p.Val1841Leu; replaces valine 1841 with leucine.
Molecular consequence: missense variant.
Genome position (GRCh38, 1-based): chr22:41,177,232, G>C. VCF-style: chr22-41177232-G-C. GRCh37 (hg19) VCF-style: chr22-41573236-G-C.
Other names: c.5443G>C, p.Val1815Leu (NM_001362843.2); short protein forms V1815L, V1841L.
Identifiers: ClinVar variation 5001790 (VCV005001790.1).